The following is an entry in ClinVar:

NM_021098.3(CACNA1H):c.353G>C (p.Gly118Ala)

Gene: CACNA1H (calcium voltage-gated channel subunit alpha1 H; plus strand). Cytogenetic location: 16p13.3.
Variant type: single nucleotide variant.
Coding change: c.353G>C on transcript NM_021098.3 (MANE Select); coding-DNA position 353, G replaced by C.
Protein change: p.Gly118Ala; replaces glycine 118 with alanine.
Molecular consequence: missense variant.
Genome position (GRCh38, 1-based): chr16:1,195,025, G>C. VCF-style: chr16-1195025-G-C. GRCh37 (hg19) VCF-style: chr16-1245025-G-C.
Other names: c.353G>C, p.Gly118Ala (NM_001005407.2); short protein forms G118A.
Identifiers: ClinVar variation 3749337 (VCV003749337.2).

ClinVar aggregate classification (germline): Uncertain significance (1 of 4 stars; one submission).

Conditions:
Idiopathic generalized epilepsy. Also called: Generalised epilepsy; EIG. Identifiers: MedGen C0270850, MONDO:0005579, OMIM 600669.
Hyperaldosteronism, familial, type IV (HALD4). Also called: FH IV; ALDOSTERONISM, PRIMARY, AND HYPERTENSION. Identifiers: Orphanet 642671, MedGen C4310756, MONDO:0014875, OMIM 617027.

gnomAD v4.1: 4 of 1,611,988 alleles (0.00025%); highest among the groups gnomAD compares: African/African-American, 0.0053%; no homozygotes.

Submission:

Labcorp Genetics (formerly Invitae), Labcorp
Classification: Uncertain significance for Idiopathic generalized epilepsy; Hyperaldosteronism, familial, type IV. Last evaluated: 2024-06-24. Review status: criteria provided, single submitter. Criteria: Invitae Variant Classification Sherloc (09022015). Collection method: clinical testing. Allele origin: germline.
Comment: This sequence change replaces glycine, which is neutral and non-polar, with alanine, which is neutral and non-polar, at codon 118 of the CACNA1H protein (p.Gly118Ala). This variant is not present in population databases (gnomAD no frequency). This variant has not been reported in the literature in individuals affected with CACNA1H-related conditions. Advanced modeling of protein sequence and biophysical properties (such as structural, functional, and spatial information, amino acid conservation, physicochemical variation, residue mobility, and thermodynamic stability) performed at Invitae indicates that this missense variant is expected to disrupt CACNA1H protein function with a positive predictive value of 80%. In summary, the available evidence is currently insufficient to determine the role of this variant in disease. Therefore, it has been classified as a Variant of Uncertain Significance.